The following is an entry in ClinVar:

ClinVar aggregate classification (germline): Uncertain significance (1 of 4 stars; one submission).

gnomAD v4.1: 1 of 1,614,178 alleles (0.000062%); highest among the groups gnomAD compares: Non-Finnish European, 0.000085%; no homozygotes.

Submission:

Labcorp Genetics (formerly Invitae), Labcorp
Classification: Uncertain significance. Last evaluated: 2023-08-17. Review status: criteria provided, single submitter. Criteria: Invitae Variant Classification Sherloc (09022015). Collection method: clinical testing. Allele origin: germline.
Comment: This sequence change replaces glutamine, which is neutral and polar, with arginine, which is basic and polar, at codon 1075 of the PRPF8 protein (p.Gln1075Arg). This variant is not present in population databases (gnomAD no frequency). This variant has not been reported in the literature in individuals affected with PRPF8-related conditions. ClinVar contains an entry for this variant (Variation ID: 1512181). Advanced modeling of protein sequence and biophysical properties (such as structural, functional, and spatial information, amino acid conservation, physicochemical variation, residue mobility, and thermodynamic stability) performed at Invitae indicates that this missense variant is not expected to disrupt PRPF8 protein function. In summary, the available evidence is currently insufficient to determine the role of this variant in disease. Therefore, it has been classified as a Variant of Uncertain Significance.

NM_006445.4(PRPF8):c.3224A>G (p.Gln1075Arg)

Gene: PRPF8 (pre-mRNA processing factor 8; minus strand). Cytogenetic location: 17p13.3.
Variant type: single nucleotide variant.
Coding change: c.3224A>G on transcript NM_006445.4 (MANE Select); coding-DNA position 3224, A replaced by G.
Protein change: p.Gln1075Arg; replaces glutamine 1075 with arginine.
Molecular consequence: missense variant.
Genome position (GRCh38, 1-based): chr17:1,674,517, T>C on the plus strand (A>G on the coding strand, the complement: PRPF8 is on the minus strand). VCF-style: chr17-1674517-T-C. GRCh37 (hg19) VCF-style: chr17-1577811-T-C.
Other names: short protein forms Q1075R.
Identifiers: ClinVar variation 1512181 (VCV001512181.6), dbSNP rs2151126834, ClinGen allele CA397542648.